The following is an entry in ClinVar:

NM_006371.5(CRTAP):c.-3G>A

Genes: CRTAP (cartilage associated protein; plus strand), LOC129936436 (ATAC-STARR-seq lymphoblastoid silent region 14183; plus strand). Cytogenetic location: 3p22.3.
Variant type: single nucleotide variant.
Coding change: c.-3G>A on transcript NM_006371.5 (MANE Select); 3 bases upstream of the start codon, G replaced by A.
Molecular consequence: 5 prime UTR variant.
Genome position (GRCh38, 1-based): chr3:33,114,075, G>A. VCF-style: chr3-33114075-G-A. GRCh37 (hg19) VCF-style: chr3-33155567-G-A.
Other names: c.-3G>A (NM_001393363.1, NM_001393364.1, NM_001393365.1).
Identifiers: ClinVar variation 3365277 (VCV003365277.1).

ClinVar aggregate classification (germline): Uncertain significance (1 of 4 stars; one submission).

Submission:

GeneDx
Classification: Uncertain significance. Last evaluated: 2023-12-04. Review status: criteria provided, single submitter. Criteria: GeneDx Variant Classification Process June 2021. Collection method: clinical testing. Allele origin: germline. Affected: yes.
Comment: Not observed at significant frequency in large population cohorts (gnomAD); Has not been previously published as pathogenic or benign to our knowledge